The following is an entry in ClinVar:

NM_015192.4(PLCB1):c.3016A>G (p.Ile1006Val)

Gene: PLCB1 (phospholipase C beta 1; plus strand). Cytogenetic location: 20p12.3.
Variant type: single nucleotide variant.
Coding change: c.3016A>G on transcript NM_015192.4 (MANE Select); coding-DNA position 3016, A replaced by G.
Protein change: p.Ile1006Val; replaces isoleucine 1006 with valine.
Molecular consequence: missense variant.
Genome position (GRCh38, 1-based): chr20:8,774,624, A>G. VCF-style: chr20-8774624-A-G. GRCh37 (hg19) VCF-style: chr20-8755271-A-G.
Other names: c.3016A>G, p.Ile1006Val (NM_182734.3); short protein forms I1006V.
Identifiers: ClinVar variation 1397728 (VCV001397728.8), dbSNP rs2146203878, ClinGen allele CA408209186.

ClinVar aggregate classification (germline): Uncertain significance (1 of 4 stars; one submission).

Conditions:
Developmental and epileptic encephalopathy, 12 (DEE12). Identifiers: MedGen C3150988, MONDO:0013389, OMIM 613722.

Allele frequency attached by ClinVar (database versions not stated): gnomAD exomes below 0.00001.
gnomAD v4.1: 1 of 1,614,058 alleles (0.000062%); highest among the groups gnomAD compares: Non-Finnish European, 0.000085%; no homozygotes.

Submission:

Labcorp Genetics (formerly Invitae), Labcorp
Classification: Uncertain significance for Developmental and epileptic encephalopathy, 12. Last evaluated: 2021-05-27. Review status: criteria provided, single submitter. Criteria: Invitae Variant Classification Sherloc (09022015). Collection method: clinical testing. Allele origin: germline.
Comment: In summary, the available evidence is currently insufficient to determine the role of this variant in disease. Therefore, it has been classified as a Variant of Uncertain Significance. This sequence change replaces isoleucine with valine at codon 1006 of the PLCB1 protein (p.Ile1006Val). The isoleucine residue is moderately conserved and there is a small physicochemical difference between isoleucine and valine. This variant is not present in population databases (ExAC no frequency). This variant has not been reported in the literature in individuals with PLCB1-related conditions. Algorithms developed to predict the effect of missense changes on protein structure and function output the following: SIFT: "Tolerated"; PolyPhen-2: "Benign"; Align-GVGD: "Class C0". The valine amino acid residue is found in multiple mammalian species, suggesting that this missense change does not adversely affect protein function. These predictions have not been confirmed by published functional studies and their clinical significance is uncertain.